The following is an entry in ClinVar:

NM_001165963.4(SCN1A):c.5646G>A (p.Met1882Ile)

Genes: SCN1A (sodium voltage-gated channel alpha subunit 1; minus strand), LOC102724058 (uncharacterized LOC102724058; plus strand). Cytogenetic location: 2q24.3.
Variant type: single nucleotide variant.
Coding change: c.5646G>A on transcript NM_001165963.4 (MANE Select); coding-DNA position 5646, G replaced by A.
Protein change: p.Met1882Ile; replaces methionine 1882 with isoleucine.
Molecular consequence: missense variant. On other transcripts: non-coding transcript variant (1).
Genome position (GRCh38, 1-based): chr2:165,991,629, C>T on the plus strand (G>A on the coding strand, the complement: SCN1A is on the minus strand). VCF-style: chr2-165991629-C-T. GRCh37 (hg19) VCF-style: chr2-166848139-C-T.
Other names: c.5562G>A, p.Met1854Ile (NM_001165964.3, NM_001353957.2, NM_001353958.2); c.5646G>A, p.Met1882Ile (NM_001202435.3, NM_001353948.2); c.5613G>A, p.Met1871Ile (NM_001353949.2, NM_001353950.2, NM_001353951.2 and 2 more transcripts); c.5610G>A, p.Met1870Ile (NM_001353954.2, NM_001353955.2); c.5559G>A, p.Met1853Ile (NM_001353960.2); c.3204G>A, p.Met1068Ile (NM_001353961.2); short protein forms M1068I, M1853I, M1854I, M1870I, M1871I, M1882I.
Identifiers: ClinVar variation 4855017 (VCV004855017.1).
Genomic context (GRCh38, chr2:165,991,629, plus strand): 5'-GGAGACCTTGGAAGGATTGGAAGCCATGAATCGCTCTTCCATCTGTATTCGTAGAGCATC[C>T]ATCTCTCCACTCTCTCCTAGAACCCGCTTTGTAAAAGCAAATAAGATATCAAGACAGTGG-3'
Protein context (NP_001159435.1, residues 1872-1892): TKRVLGESGE[Met1882Ile]DALRIQMEER

ClinVar aggregate classification (germline): Uncertain significance (1 of 4 stars; one submission).

Conditions:
SCN1A-related disorder. Also called: SCN1A-related disorders; SCN1A-related conditions; SCN1A-related condition.

Submission:

3billion
Classification: Uncertain significance for SCN1A-related disorder. Last evaluated: 2025-12-23. Review status: criteria provided, single submitter. Criteria: ACMG Guidelines, 2015. Collection method: clinical testing. Allele origin: germline. Affected: yes.
Comment: The variant is observed at an extremely low frequency in the gnomAD v4.1.0 dataset (total allele frequency: <0.001%). Predicted Consequence/Location: Missense variant In silico tool predictions suggest damaging effect of the variant on gene or gene product [REVEL: 0.81 (>=0.6, sensitivity 0.68 and specificity 0.92); 3Cnet: 0.89 (> 0.75, sensitivity 0.96 and precision 0.92)]. Different missense changes at the same codon have been reported as of uncertain significance (ClinVar ID: VCV002129110). Therefore, this variant is classified as VUS according to the recommendation of ACMG/AMP guideline.